The following is an entry in ClinVar:

ClinVar aggregate classification (germline): Uncertain significance (1 of 4 stars; one submission).

Submission:

Labcorp Genetics (formerly Invitae), Labcorp
Classification: Uncertain significance. Last evaluated: 2022-03-03. Review status: criteria provided, single submitter. Criteria: Invitae Variant Classification Sherloc (09022015). Collection method: clinical testing. Allele origin: germline.
Comment: In summary, the available evidence is currently insufficient to determine the role of this variant in disease. Therefore, it has been classified as a Variant of Uncertain Significance. Algorithms developed to predict the effect of missense changes on protein structure and function (SIFT, PolyPhen-2, Align-GVGD) all suggest that this variant is likely to be disruptive. This variant has not been reported in the literature in individuals affected with FAT4-related conditions. This variant is not present in population databases (gnomAD no frequency). This sequence change replaces phenylalanine, which is neutral and non-polar, with cysteine, which is neutral and slightly polar, at codon 3558 of the FAT4 protein (p.Phe3558Cys).

NM_001291303.3(FAT4):c.10679T>G (p.Phe3560Cys)

Gene: FAT4 (FAT atypical cadherin 4; plus strand). Cytogenetic location: 4q28.1.
Variant type: single nucleotide variant.
Coding change: c.10679T>G on transcript NM_001291303.3 (MANE Select); coding-DNA position 10679, T replaced by G.
Protein change: p.Phe3560Cys; replaces phenylalanine 3560 with cysteine.
Molecular consequence: missense variant.
Genome position (GRCh38, 1-based): chr4:125,451,689, T>G. VCF-style: chr4-125451689-T-G. GRCh37 (hg19) VCF-style: chr4-126372844-T-G.
Other names: c.10679T>G, p.Phe3560Cys (NM_001291285.3); c.10673T>G, p.Phe3558Cys (NM_024582.6); short protein forms F3558C, F3560C.
Identifiers: ClinVar variation 1385972 (VCV001385972.8), dbSNP rs2126061121, ClinGen allele CA358159361.